The following is an entry in ClinVar:

ClinVar aggregate classification (germline): Likely pathogenic (1 of 4 stars; one submission).

Conditions:
Mucopolysaccharidosis, MPS-II (MPS2). Also called: Hunter Syndrome; IDURONATE 2-SULFATASE DEFICIENCY; Mucopolysaccharidosis Type II; Mucopolysaccharidosis type 2; Attenuated MPS (subtype; formerly known as mild MPS II); Severe MPS II. Identifiers: Orphanet 580, Orphanet 79388, MedGen C0026705, MONDO:0010674, OMIM 309900.

Submission:

Laboratory of Diagnosis and Therapy of Lysosomal Disorders, University of Padova
Classification: Likely pathogenic for Mucopolysaccharidosis, MPS-II. Last evaluated: 2024-06-07. Review status: criteria provided, single submitter. Criteria: ACMG Guidelines, 2015. Collection method: literature only. Allele origin: germline. Affected: yes. Observed: 3 variant alleles.
Comment: Absent from controls (or at low frequency) in gnomAD database (PM2_Moderate), Missense variant in a gene with a low rate of benign missense variation (PP2_Supporting), Multiple lines of computational evidence support a deleterious effect (PP3_Supporting), Patient’s phenotype or family history highly specific for the disease (PP4_Strong)

Classification method: ACMG Guidelines [PMID:25741868] with modifications

Literature cited by the submitters: PubMed 9921913; PubMed 33676511.

NM_000202.8(IDS):c.236C>A (p.Ala79Glu)

Gene: IDS (iduronate 2-sulfatase; minus strand). Cytogenetic location: Xq28.
Variant type: single nucleotide variant.
Coding change: c.236C>A on transcript NM_000202.8 (MANE Select); coding-DNA position 236, C replaced by A.
Protein change: p.Ala79Glu; replaces alanine 79 with glutamic acid.
Molecular consequence: missense variant. On other transcripts: non-coding transcript variant (1).
Genome position (GRCh38, 1-based): chrX:149,504,161, G>T on the plus strand (C>A on the coding strand, the complement: IDS is on the minus strand). VCF-style: chrX-149504161-G-T. GRCh37 (hg19) VCF-style: chrX-148585691-G-T.
Other names: c.10C>A, p.Arg4Ser (NM_001166550.4); c.236C>A, p.Ala79Glu (NM_006123.5); short protein forms A79E, R4S.
Identifiers: ClinVar variation 3256102 (VCV003256102.2).